The following is an entry in ClinVar:

NM_001370658.1(BTD):c.1496A>G (p.Tyr499Cys)

Gene: BTD (biotinidase; plus strand). Cytogenetic location: 3p25.1.
Variant type: single nucleotide variant.
Coding change: c.1496A>G on transcript NM_001370658.1 (MANE Select); coding-DNA position 1496, A replaced by G.
Protein change: p.Tyr499Cys; replaces tyrosine 499 with cysteine.
Molecular consequence: missense variant. On other transcripts: intron variant (8).
Genome position (GRCh38, 1-based): chr3:15,645,412, A>G. VCF-style: chr3-15645412-A-G. GRCh37 (hg19) VCF-style: chr3-15686919-A-G.
Other names: c.1556A>G (NM_000060.2); c.1556A>G, p.Tyr519Cys (NM_000060.4); c.1496A>G, p.Tyr499Cys (NM_001281723.4, NM_001281724.3, NM_001281725.3 and 16 more transcripts); c.1015+481A>G (NM_001370752.1, NM_001407379.1); c.399+3355A>G (NM_001370753.1, NM_001407400.1, NM_001407380.1 and 3 more transcripts); short protein forms Y499C, Y519C.
Identifiers: ClinVar variation 971110 (VCV000971110.11), dbSNP rs199859507, ClinGen allele CA2277493.

ClinVar aggregate classification (germline): Uncertain significance. Review status: criteria provided, multiple submitters, no conflicts (2 of 4 stars). 3 submissions from 3 submitters: Uncertain significance (2). 1 of the submissions does not count toward it. Last evaluated 2021-09-27.

Conditions:
Inborn genetic diseases. Identifiers: MedGen C0950123, MeSH D030342.
Biotinidase deficiency. Also called: BTD deficiency; Late-onset biotin-responsive multiple carboxylase deficiency; Biotin deficiency. Identifiers: Orphanet 79241, MedGen C0220754, MONDO:0009665, OMIM 253260.

Allele frequency attached by ClinVar (database versions not stated): gnomAD exomes below 0.00001 and 0.00003; ExAC 0.00001; TOPMed 0.00001; gnomAD 0.00002; 1000 Genomes Project 30x 0.00016; 1000 Genomes Project 0.00020.
gnomAD v4.1: 47 of 1,614,010 alleles (0.0029%); highest among the groups gnomAD compares: East Asian, 0.094%; no homozygotes.

Submissions (3):

Ambry Genetics
Classification: Uncertain significance for Inborn genetic diseases. Last evaluated: 2021-09-27. Review status: criteria provided, single submitter. Criteria: Ambry Variant Classification Scheme 2023. Collection method: clinical testing. Allele origin: germline.

Labcorp Genetics (formerly Invitae), Labcorp
Classification: Uncertain significance for Biotinidase deficiency. Last evaluated: 2021-08-27. Review status: criteria provided, single submitter. Criteria: Invitae Variant Classification Sherloc (09022015). Collection method: clinical testing. Allele origin: germline.
Comment: This sequence change replaces tyrosine with cysteine at codon 519 of the BTD protein (p.Tyr519Cys). The tyrosine residue is moderately conserved and there is a large physicochemical difference between tyrosine and cysteine. This variant is present in population databases (rs199859507, ExAC 0.01%). This variant has not been reported in the literature in individuals affected with BTD-related conditions. Algorithms developed to predict the effect of missense changes on protein structure and function output the following: SIFT: "Tolerated"; PolyPhen-2: "Benign"; Align-GVGD: "Class C0". The cysteine amino acid residue is found in multiple mammalian species, which suggests that this missense change does not adversely affect protein function. In summary, the available evidence is currently insufficient to determine the role of this variant in disease. Therefore, it has been classified as a Variant of Uncertain Significance.

Natera, Inc.
Classification: Uncertain significance for Biotinidase deficiency. Last evaluated: 2020-02-27. Review status: no assertion criteria provided. Collection method: clinical testing. Allele origin: germline. Not counted in ClinVar's aggregate classification.